The following is an entry in ClinVar:

NM_020937.4(FANCM):c.2107A>T (p.Ile703Leu)

Gene: FANCM (FA complementation group M; plus strand). Cytogenetic location: 14q21.2.
Variant type: single nucleotide variant.
Coding change: c.2107A>T on transcript NM_020937.4 (MANE Select); coding-DNA position 2107, A replaced by T.
Protein change: p.Ile703Leu; replaces isoleucine 703 with leucine.
Molecular consequence: missense variant.
Genome position (GRCh38, 1-based): chr14:45,170,693, A>T. VCF-style: chr14-45170693-A-T. GRCh37 (hg19) VCF-style: chr14-45639896-A-T.
Other names: c.2029A>T, p.Ile677Leu (NM_001308133.2); short protein forms I677L, I703L.
Identifiers: ClinVar variation 2963223 (VCV002963223.3), dbSNP rs1457763729, ClinGen allele CA389596196.

ClinVar aggregate classification (germline): Uncertain significance (1 of 4 stars; one submission).

Conditions:
Fanconi anemia (FA). Also called: Fanconi's anemia. Identifiers: Orphanet 84, MedGen C0015625, MeSH D005199, MONDO:0019391.

Allele frequency attached by ClinVar (database versions not stated): TOPMed below 0.00001.

Submission:

Labcorp Genetics (formerly Invitae), Labcorp
Classification: Uncertain significance for Fanconi anemia. Last evaluated: 2023-04-26. Review status: criteria provided, single submitter. Criteria: Invitae Variant Classification Sherloc (09022015). Collection method: clinical testing. Allele origin: germline.
Comment: In summary, the available evidence is currently insufficient to determine the role of this variant in disease. Therefore, it has been classified as a Variant of Uncertain Significance. An algorithm developed to predict the effect of missense changes on protein structure and function (PolyPhen-2) suggests that this variant is likely to be tolerated. This variant has not been reported in the literature in individuals affected with FANCM-related conditions. This variant is not present in population databases (gnomAD no frequency). This sequence change replaces isoleucine, which is neutral and non-polar, with leucine, which is neutral and non-polar, at codon 703 of the FANCM protein (p.Ile703Leu).